The following is an entry in ClinVar:

ClinVar aggregate classification (germline): Benign/Likely benign. Review status: criteria provided, multiple submitters, no conflicts (2 of 4 stars). 2 submissions from 2 submitters: Benign (1); Likely benign (1). Last evaluated 2026-04-01.

Allele frequency attached by ClinVar (database versions not stated): 1000 Genomes Project 0.00060; 1000 Genomes Project 30x 0.00078; gnomAD 0.00155 and 0.00161; TOPMed 0.00165; ESP Exome Variant Server 0.00190; ExAC 0.00240; gnomAD exomes 0.00256.
gnomAD v4.1: 2,927 of 1,612,964 alleles (0.18%); highest among the groups gnomAD compares: Middle Eastern, 1.8%; 24 homozygotes.

Submissions (2):

CeGaT Center for Human Genetics Tuebingen
Classification: Likely benign. Last evaluated: 2026-04-01. Review status: criteria provided, single submitter. Criteria: CeGaT Center For Human Genetics Tuebingen Variant Classification Criteria Version 2. Collection method: clinical testing. Allele origin: germline. Affected: yes. Observed: 2 variant alleles.
Comment: TNF: BS2

Labcorp Genetics (formerly Invitae), Labcorp
Classification: Benign. Last evaluated: 2018-07-15. Review status: criteria provided, single submitter. Criteria: Invitae Variant Classification Sherloc (09022015). Collection method: clinical testing. Allele origin: germline.

NM_000594.4(TNF):c.251C>T (p.Pro84Leu)

Gene: TNF (tumor necrosis factor; plus strand). Cytogenetic location: 6p21.33.
Variant type: single nucleotide variant.
Coding change: c.251C>T on transcript NM_000594.4 (MANE Select); coding-DNA position 251, C replaced by T.
Protein change: p.Pro84Leu; replaces proline 84 with leucine.
Molecular consequence: missense variant.
Genome position (GRCh38, 1-based): chr6:31,576,785, C>T. VCF-style: chr6-31576785-C-T. GRCh37 (hg19) VCF-style: chr6-31544562-C-T.
Other names: short protein forms P84L.
Identifiers: ClinVar variation 781865 (VCV000781865.25), dbSNP rs4645843, ClinGen allele CA3713958.